The following is an entry in ClinVar:

NM_182931.3(KMT2E):c.1887+5T>A

Gene: KMT2E (lysine methyltransferase 2E (inactive); plus strand). Cytogenetic location: 7q22.3.
Variant type: single nucleotide variant.
Coding change: c.1887+5T>A on transcript NM_182931.3 (MANE Select); 5 bases into the intron after coding-DNA position 1887, T replaced by A.
Molecular consequence: intron variant.
Genome position (GRCh38, 1-based): chr7:105,101,594, T>A. VCF-style: chr7-105101594-T-A. GRCh37 (hg19) VCF-style: chr7-104742041-T-A.
Other names: c.1887+5T>A (NM_001410908.1, NM_018682.4).
Identifiers: ClinVar variation 4722443 (VCV004722443.1).
Genomic context (GRCh38, chr7:105,101,594, plus strand): 5'-AAGTTAAAACTGAATGTAAAGATACACAGATTGTCAGTGATGCTGAAGTTATTCAGGTAT[T>A]ATTTATTCAGGTCGTTTTATTTTCTTAAACACTTTAAAATAAAATGTCTATACTTGCATT-3'

ClinVar aggregate classification (germline): Uncertain significance (1 of 4 stars; one submission).

gnomAD v4.1: 1 of 1,526,092 alleles (0.000066%); highest among the groups gnomAD compares: African/African-American, 0.0014%; no homozygotes.

Submission:

Labcorp Genetics (formerly Invitae), Labcorp
Classification: Uncertain significance. Last evaluated: 2025-10-16. Review status: criteria provided, single submitter. Criteria: Invitae Variant Classification Sherloc (09022015). Collection method: clinical testing. Allele origin: germline.
Comment: This sequence change falls in intron 16 of the KMT2E gene. It does not directly change the encoded amino acid sequence of the KMT2E protein. It affects a nucleotide within the consensus splice site. This variant is present in population databases (no rsID available, gnomAD 0.01%). This variant has not been reported in the literature in individuals affected with KMT2E-related conditions. Variants that disrupt the consensus splice site are a relatively common cause of aberrant splicing (PMID: 17576681, 9536098). Algorithms developed to predict the effect of sequence changes on RNA splicing suggest that this variant is not likely to affect RNA splicing. In summary, the available evidence is currently insufficient to determine the role of this variant in disease. Therefore, it has been classified as a Variant of Uncertain Significance.

Literature cited by the submitters: PubMed 17576681; PubMed 9536098.